The following is an entry in ClinVar:

ClinVar aggregate classification (germline): Uncertain significance (1 of 4 stars; one submission).

Conditions:
TTN-related disorder. Also called: TTN-related condition; TTN-related disease; TTN-related disorders.

gnomAD v4.1: 4 of 1,612,826 alleles (0.00025%); highest among the groups gnomAD compares: African/African-American, 0.0027%; no homozygotes.

Submission:

PreventionGenetics, part of Exact Sciences
Classification: Uncertain significance for TTN-related condition. Last evaluated: 2024-11-11. Review status: criteria provided, single submitter. Criteria: ACMG Guidelines, 2015. Collection method: clinical testing. Allele origin: germline.
Comment: The TTN c.14128C>G variant is predicted to result in the amino acid substitution p.Gln4710Glu. This variant corresponds to a deep intronic position in an alternate transcript for this gene (NM_001267550:c.11311+4852C>G). To our knowledge, this variant has not been reported in the literature or in a large population database (gnomAD), indicating this variant is rare. At this time, the clinical significance of this variant is uncertain due to the absence of conclusive functional and genetic evidence.

NM_001267550.2(TTN):c.11311+4852C>G

Genes: TTN (titin; minus strand), LOC126806432 (CDK7 strongly-dependent group 2 enhancer GRCh37_chr2:179611985-179613184; plus strand). Cytogenetic location: 2q31.2.
Variant type: single nucleotide variant.
Coding change: c.11311+4852C>G on transcript NM_001267550.2 (MANE Select); 4852 bases into the intron after coding-DNA position 11311, C replaced by G.
Molecular consequence: intron variant. On other transcripts: missense variant (1).
Genome position (GRCh38, 1-based): chr2:178,748,272, G>C on the plus strand (C>G on the coding strand, the complement: TTN is on the minus strand). VCF-style: chr2-178748272-G-C. GRCh37 (hg19) VCF-style: chr2-179612999-G-C.
Other names: c.14128C>G, p.Gln4710Glu (NM_133379.5); c.10222+4852C>G (NM_003319.4); c.10798+4852C>G (NM_133437.4); c.10597+4852C>G (NM_133432.3); c.10360+4852C>G (NM_133378.4, NM_001256850.1); short protein forms Q4710E.
Identifiers: ClinVar variation 4979125 (VCV004979125.1).